The following is an entry in ClinVar:

ClinVar aggregate classification (germline): Uncertain significance (1 of 4 stars; one submission).

Allele frequency attached by ClinVar (database versions not stated): gnomAD exomes below 0.00001.

Submission:

Ambry Genetics
Classification: Uncertain significance. Last evaluated: 2023-09-25. Review status: criteria provided, single submitter. Criteria: Ambry Variant Classification Scheme 2023. Collection method: clinical testing. Allele origin: germline.
Comment: The p.C616Y variant (also known as c.1847G>A), located in coding exon 16 of the RAD54L gene, results from a G to A substitution at nucleotide position 1847. The cysteine at codon 616 is replaced by tyrosine, an amino acid with highly dissimilar properties. This amino acid position is conserved. In addition, this alteration is predicted to be deleterious by in silico analysis. Since supporting evidence is limited at this time, the clinical significance of this alteration remains unclear.

NM_003579.4(RAD54L):c.1847G>A (p.Cys616Tyr)

Gene: RAD54L (RAD54 like; plus strand). Cytogenetic location: 1p34.1.
Variant type: single nucleotide variant.
Coding change: c.1847G>A on transcript NM_003579.4 (MANE Select); coding-DNA position 1847, G replaced by A.
Protein change: p.Cys616Tyr; replaces cysteine 616 with tyrosine.
Molecular consequence: missense variant.
Genome position (GRCh38, 1-based): chr1:46,274,695, G>A. VCF-style: chr1-46274695-G-A. GRCh37 (hg19) VCF-style: chr1-46740367-G-A.
Other names: c.1847G>A, p.Cys616Tyr (NM_001142548.2); c.1307G>A, p.Cys436Tyr (NM_001370766.1); short protein forms C436Y, C616Y.
Identifiers: ClinVar variation 3223420 (VCV003223420.1), dbSNP rs2148303578, ClinGen allele CA340186439.